The following is an entry in ClinVar:

ClinVar aggregate classification (germline): Uncertain significance (1 of 4 stars; one submission).

Conditions:
Tuberous sclerosis 1 (TSC1). Identifiers: Orphanet 805, MedGen C1854465, MONDO:0008612, OMIM 191100.

Submission:

Labcorp Genetics (formerly Invitae), Labcorp
Classification: Uncertain significance for Tuberous sclerosis 1. Last evaluated: 2023-10-11. Review status: criteria provided, single submitter. Criteria: Invitae Variant Classification Sherloc (09022015). Collection method: clinical testing. Allele origin: germline.
Comment: This sequence change replaces glutamic acid, which is acidic and polar, with glutamine, which is neutral and polar, at codon 493 of the TSC1 protein (p.Glu493Gln). This variant is not present in population databases (gnomAD no frequency). This variant has not been reported in the literature in individuals affected with TSC1-related conditions. Advanced modeling of protein sequence and biophysical properties (such as structural, functional, and spatial information, amino acid conservation, physicochemical variation, residue mobility, and thermodynamic stability) performed at Invitae indicates that this missense variant is not expected to disrupt TSC1 protein function. In summary, the available evidence is currently insufficient to determine the role of this variant in disease. Therefore, it has been classified as a Variant of Uncertain Significance.

NM_000368.5(TSC1):c.1477G>C (p.Glu493Gln)

Gene: TSC1 (TSC complex subunit 1; minus strand). Cytogenetic location: 9q34.13.
Variant type: single nucleotide variant.
Coding change: c.1477G>C on transcript NM_000368.5 (MANE Select); coding-DNA position 1477, G replaced by C.
Protein change: p.Glu493Gln; replaces glutamic acid 493 with glutamine.
Molecular consequence: missense variant. On other transcripts: non-coding transcript variant (5).
Genome position (GRCh38, 1-based): chr9:132,906,101, C>G on the plus strand (G>C on the coding strand, the complement: TSC1 is on the minus strand). VCF-style: chr9-132906101-C-G. GRCh37 (hg19) VCF-style: chr9-135781488-C-G.
Other names: c.1477G>C, p.Glu493Gln (NM_001406606.1, NM_001406607.1, NM_001406592.1 and 7 more transcripts); c.1474G>C, p.Glu492Gln (NM_001406608.1, NM_001406609.1, NM_001162426.2 and 6 more transcripts); c.1324G>C, p.Glu442Gln (NM_001406610.1, NM_001162427.2); c.1321G>C, p.Glu441Gln (NM_001406611.1, NM_001406612.1, NM_001406613.1); c.1114G>C, p.Glu372Gln (NM_001406614.1, NM_001362177.2, NM_001406615.1 and 5 more transcripts); c.1111G>C, p.Glu371Gln (NM_001406625.1, NM_001406620.1, NM_001406621.1 and 2 more transcripts); c.526G>C, p.Glu176Gln (NM_001406626.1); c.523G>C, p.Glu175Gln (NM_001406627.1, NM_001406628.1); and 1 more; short protein forms E176Q, E441Q, E175Q, E492Q, E442Q, E142Q, E371Q, E372Q.
Identifiers: ClinVar variation 2767555 (VCV002767555.3), dbSNP rs2131848464, ClinGen allele CA375365465.
Genomic context (GRCh38, chr9:132,906,101, plus strand): 5'-GGAGACTGTCTCGGTAAAAGGGAGAGTCAAAGCCTCCTCGAGGAACCACAGGCTCTGCCT[C>G]TGCTGTGGTGATCTCAGAAAGTTCTCTAGATATTGCAGCTGAGAGGAAGAGAGGAAACAA-3'
Protein context (NP_000359.1, residues 483-503): SRELSEITTA[Glu493Gln]AEPVVPRGGF